The following is an entry in ClinVar:

ClinVar aggregate classification (germline): Uncertain significance (1 of 4 stars; one submission).

Submission:

GeneDx
Classification: Uncertain significance. Last evaluated: 2025-01-22. Review status: criteria provided, single submitter. Criteria: GeneDx Variant Classification Process June 2021. Collection method: clinical testing. Allele origin: germline. Affected: yes.
Comment: Reported using an alternate transcript of the gene; Not observed at significant frequency in large population cohorts (gnomAD); In silico analysis supports that this missense variant has a deleterious effect on protein structure/function; Has not been previously published as pathogenic or benign to our knowledge

NM_001379451.1(BCORL1):c.4459C>A (p.Arg1487Ser)

Gene: BCORL1 (BCL6 corepressor like 1; plus strand). Cytogenetic location: Xq26.1.
Variant type: single nucleotide variant.
Coding change: c.4459C>A on transcript NM_001379451.1 (MANE Select); coding-DNA position 4459, C replaced by A.
Protein change: p.Arg1487Ser; replaces arginine 1487 with serine.
Molecular consequence: missense variant. On other transcripts: intron variant (1).
Genome position (GRCh38, 1-based): chrX:130,034,608, C>A. VCF-style: chrX-130034608-C-A. GRCh37 (hg19) VCF-style: chrX-129168583-C-A.
Other names: c.4459C>A, p.Arg1487Ser (NM_001184772.3, NM_001379450.1); c.4306-2759C>A (NM_021946.5); short protein forms R1487S.
Identifiers: ClinVar variation 4071680 (VCV004071680.1).